The following is an entry in ClinVar:

NM_006531.5(IFT88):c.2069-6A>G

Gene: IFT88 (intraflagellar transport 88; plus strand). Cytogenetic location: 13q12.11.
Variant type: single nucleotide variant.
Coding change: c.2069-6A>G on transcript NM_006531.5 (MANE Select); 6 bases into the intron before coding-DNA position 2069, A replaced by G.
Molecular consequence: intron variant.
Genome position (GRCh38, 1-based): chr13:20,663,492, A>G. VCF-style: chr13-20663492-A-G. GRCh37 (hg19) VCF-style: chr13-21237631-A-G.
Other names: c.2096-6A>G (NM_001318493.2, NM_175605.5, NM_001353566.2 and 2 more transcripts); c.2069-6A>G (NM_001353568.2, NM_001353572.2); c.1994-6A>G (NM_001353570.2, NM_001353576.2, NM_001353577.2 and 1 more transcripts); c.1967-6A>G (NM_001353571.2, NM_001353578.2); c.1436-6A>G (NM_001353579.2); c.2136-6A>G (NM_001353575.2); c.2012-6A>G (NM_001318491.2); c.1925-6A>G (NM_001353573.2); and 1 more.
Identifiers: ClinVar variation 4699309 (VCV004699309.1).

ClinVar aggregate classification (germline): Uncertain significance (1 of 4 stars; one submission).

gnomAD v4.1: 16 of 1,612,380 alleles (0.00099%); highest among the groups gnomAD compares: African/African-American, 0.004%; no homozygotes.

Submission:

Labcorp Genetics (formerly Invitae), Labcorp
Classification: Uncertain significance. Last evaluated: 2025-11-05. Review status: criteria provided, single submitter. Criteria: Invitae Variant Classification Sherloc (09022015). Collection method: clinical testing. Allele origin: germline.
Comment: This sequence change falls in intron 24 of the IFT88 gene. It does not directly change the encoded amino acid sequence of the IFT88 protein. This variant is present in population databases (no rsID available, gnomAD 0.004%). This variant has not been reported in the literature in individuals affected with IFT88-related conditions. Algorithms developed to predict the effect of sequence changes on RNA splicing suggest that this variant may disrupt the consensus splice site. In summary, the available evidence is currently insufficient to determine the role of this variant in disease. Therefore, it has been classified as a Variant of Uncertain Significance.